The following is an entry in ClinVar:

ClinVar aggregate classification (germline): Uncertain significance. Review status: criteria provided, multiple submitters, no conflicts (2 of 4 stars). 2 submissions from 2 submitters: Uncertain significance (2). Last evaluated 2024-04-10.

Conditions:
Dilated cardiomyopathy 1G (CMD1G). Identifiers: Orphanet 154, MedGen C1858763, MONDO:0011400, OMIM 604145.
Autosomal recessive limb-girdle muscular dystrophy type 2J (LGMDR10). Also called: MUSCULAR DYSTROPHY, LIMB-GIRDLE, AUTOSOMAL RECESSIVE 10; Limb-girdle muscular dystrophy, type 2J. Identifiers: Orphanet 140922, MedGen C1837342, MONDO:0012127, OMIM 608807.

gnomAD v4.1: 7 of 1,613,834 alleles (0.00043%); highest among the groups gnomAD compares: Non-Finnish European, 0.00059%; no homozygotes.

Submissions (2):

Labcorp Genetics (formerly Invitae), Labcorp
Classification: Uncertain significance for Dilated cardiomyopathy 1G; Autosomal recessive limb-girdle muscular dystrophy type 2J. Last evaluated: 2024-04-10. Review status: criteria provided, single submitter. Criteria: Invitae Variant Classification Sherloc (09022015). Collection method: clinical testing. Allele origin: germline.
Comment: This sequence change replaces arginine, which is basic and polar, with leucine, which is neutral and non-polar, at codon 34653 of the TTN protein (p.Arg34653Leu). This variant is present in population databases (rs72629786, gnomAD 0.002%). This missense change has been observed in individual(s) with dilated cardiomyopathy (PMID: 26567375). ClinVar contains an entry for this variant (Variation ID: 498937). Experimental studies and prediction algorithms are not available or were not evaluated, and the functional significance of this variant is currently unknown. This variant is located in the M band of TTN (PMID: 25589632). Non-truncating variants in this region may be relevant for neuromuscular disorders, but have not been definitively shown to cause cardiomyopathy (PMID: 23975875). In summary, the available evidence is currently insufficient to determine the role of this variant in disease. Therefore, it has been classified as a Variant of Uncertain Significance.

Eurofins Ntd Llc (ga)
Classification: Uncertain significance. Last evaluated: 2018-04-05. Review status: criteria provided, single submitter. Criteria: EGL ClinVar v180209 classification definitions. Collection method: clinical testing. Allele origin: germline. Observed: 2 variant alleles, 2 heterozygotes.

Literature cited by the submitters: PubMed 26567375 (cited by Labcorp Genetics (formerly Invitae), Labcorp); PubMed 25589632 (cited by Labcorp Genetics (formerly Invitae), Labcorp); PubMed 23975875 (cited by Labcorp Genetics (formerly Invitae), Labcorp).

NM_001267550.2(TTN):c.103958G>T (p.Arg34653Leu)

Genes: TTN-AS1 (TTN antisense RNA 1; plus strand), TTN (titin; minus strand). Cytogenetic location: 2q31.2.
Variant type: single nucleotide variant.
Coding change: c.103958G>T on transcript NM_001267550.2 (MANE Select); coding-DNA position 103958, G replaced by T.
Protein change: p.Arg34653Leu; replaces arginine 34653 with leucine.
Molecular consequence: missense variant.
Genome position (GRCh38, 1-based): chr2:178,532,657, C>A on the plus strand (G>T on the coding strand, the complement: TTN is on the minus strand). VCF-style: chr2-178532657-C-A. GRCh37 (hg19) VCF-style: chr2-179397384-C-A.
Other names: c.99035G>T, p.Arg33012Leu (NM_001256850.1); c.76763G>T, p.Arg25588Leu (NM_003319.4); c.96254G>T, p.Arg32085Leu (NM_133378.4); c.77138G>T, p.Arg25713Leu (NM_133432.3); c.77339G>T, p.Arg25780Leu (NM_133437.4); short protein forms R32085L, R34653L, R25780L, R33012L, R25588L, R25713L.
Identifiers: ClinVar variation 498937 (VCV000498937.12), dbSNP rs72629786, ClinGen allele CA60956574.